The following is an entry in ClinVar:

NM_144999.4(LRRC45):c.642A>T (p.Gly214=)

Gene: LRRC45 (leucine rich repeat containing 45; plus strand). Cytogenetic location: 17q25.3.
Variant type: single nucleotide variant.
Coding change: c.642A>T on transcript NM_144999.4 (MANE Select); coding-DNA position 642, A replaced by T.
Protein change: p.Gly214=; no amino-acid change (glycine 214 retained).
Molecular consequence: synonymous variant.
Genome position (GRCh38, 1-based): chr17:82,025,488, A>T. VCF-style: chr17-82025488-A-T. GRCh37 (hg19) VCF-style: chr17-79983364-A-T.
Identifiers: ClinVar variation 3351877 (VCV003351877.1).

ClinVar aggregate classification (germline): Likely benign (0 of 4 stars; one submission).

Conditions:
LRRC45-related disorder. Also called: LRRC45-related condition.

gnomAD v4.1: 50 of 1,606,780 alleles (0.0031%); highest among the groups gnomAD compares: African/African-American, 0.053%; no homozygotes.

Submission:

PreventionGenetics, part of Exact Sciences
Classification: Likely benign for LRRC45-related condition. Last evaluated: 2024-08-21. Review status: no assertion criteria provided. Collection method: clinical testing. Allele origin: germline.
Comment: This variant is classified as likely benign based on ACMG/AMP sequence variant interpretation guidelines (Richards et al. 2015 PMID: 25741868, with internal and published modifications).